The following is an entry in ClinVar:

NM_000548.5(TSC2):c.2766G>C (p.Leu922Phe)

Gene: TSC2 (TSC complex subunit 2; plus strand). Cytogenetic location: 16p13.3.
Variant type: single nucleotide variant.
Coding change: c.2766G>C on transcript NM_000548.5 (MANE Select); coding-DNA position 2766, G replaced by C.
Protein change: p.Leu922Phe; replaces leucine 922 with phenylalanine.
Molecular consequence: missense variant.
Genome position (GRCh38, 1-based): chr16:2,076,514, G>C. VCF-style: chr16-2076514-G-C. GRCh37 (hg19) VCF-style: chr16-2126515-G-C.
Other names: c.2766G>C, p.Leu922Phe (NM_001077183.3, NM_001114382.3, NM_001363528.2 and 6 more transcripts); c.2655G>C, p.Leu885Phe (NM_001318827.2, NM_001406670.1, NM_001406678.1); c.2619G>C, p.Leu873Phe (NM_001318829.2, NM_001406675.1, NM_001406676.1 and 1 more transcripts); c.2166G>C, p.Leu722Phe (NM_001318831.2, NM_001406680.1, NM_001406682.1 and 6 more transcripts); c.2799G>C, p.Leu933Phe (NM_001318832.2); c.2856G>C, p.Leu952Phe (NM_001406667.1, NM_001406668.1); c.2754G>C, p.Leu918Phe (NM_001406671.1, NM_001406673.1); c.2709G>C, p.Leu903Phe (NM_001406677.1); and 3 more; short protein forms L388F, L474F, L722F, L918F, L922F, L768F, L933F, L873F.
Identifiers: ClinVar variation 1795744 (VCV001795744.2), dbSNP rs772858520, ClinGen allele CA394279879.

ClinVar aggregate classification (germline): Uncertain significance (1 of 4 stars; one submission).

Conditions:
Hereditary cancer-predisposing syndrome. Also called: Tumor predisposition; Hereditary Cancer Syndrome; Neoplastic Syndromes, Hereditary; Hereditary neoplastic syndrome. Identifiers: Orphanet 140162, MedGen C0027672, MeSH D009386, MONDO:0015356.

Submission:

Ambry Genetics
Classification: Uncertain significance for Hereditary cancer-predisposing syndrome. Last evaluated: 2021-04-07. Review status: criteria provided, single submitter. Criteria: Ambry Variant Classification Scheme 2023. Collection method: clinical testing. Allele origin: germline.
Comment: The p.L922F variant (also known as c.2766G>C), located in coding exon 24 of the TSC2 gene, results from a G to C substitution at nucleotide position 2766. The leucine at codon 922 is replaced by phenylalanine, an amino acid with highly similar properties. This amino acid position is well conserved in available vertebrate species. In addition, the in silico prediction for this alteration is inconclusive. Since supporting evidence is limited at this time, the clinical significance of this alteration remains unclear.